The following is an entry in ClinVar:

NM_000264.5(PTCH1):c.58T>C (p.Cys20Arg)

Genes: PTCH1 (patched 1; minus strand), LOC130002133 (ATAC-STARR-seq lymphoblastoid silent region 20071; plus strand). Cytogenetic location: 9q22.32.
Variant type: single nucleotide variant.
Coding change: c.58T>C on transcript NM_000264.5 (MANE Select); coding-DNA position 58, T replaced by C.
Protein change: p.Cys20Arg; replaces cysteine 20 with arginine.
Molecular consequence: missense variant. On other transcripts: non-coding transcript variant (1), intron variant (3).
Genome position (GRCh38, 1-based): chr9:95,508,304, A>G on the plus strand (T>C on the coding strand, the complement: PTCH1 is on the minus strand). VCF-style: chr9-95508304-A-G. GRCh37 (hg19) VCF-style: chr9-98270586-A-G.
Other names: c.58T>C, p.Cys20Arg (NM_001354918.2); c.199-1705T>C (NM_001083603.3); c.4-1705T>C (NM_001083602.3, NM_001354919.2); short protein forms C20R.
Identifiers: ClinVar variation 5027423 (VCV005027423.1).

ClinVar aggregate classification (germline): Uncertain significance (1 of 4 stars; one submission).

Conditions:
Hereditary cancer-predisposing syndrome. Also called: Neoplastic Syndromes, Hereditary; Tumor predisposition; Hereditary neoplastic syndrome; Hereditary Cancer Syndrome. Identifiers: Orphanet 140162, MedGen C0027672, MeSH D009386, MONDO:0015356.

Submission:

Ambry Genetics
Classification: Uncertain significance for Hereditary cancer-predisposing syndrome. Last evaluated: 2026-07-07. Review status: criteria provided, single submitter. Criteria: Ambry Variant Classification Scheme 2023. Collection method: clinical testing. Allele origin: germline.
Comment: The p.C20R variant (also known as c.58T>C), located in coding exon 1 of the PTCH1 gene, results from a T to C substitution at nucleotide position 58. The cysteine at codon 20 is replaced by arginine, an amino acid with highly dissimilar properties. This amino acid position is conserved. In addition, this alteration is predicted to be tolerated by in silico analysis. Based on the available evidence, the clinical significance of this variant remains unclear.